The following is an entry in ClinVar:

NM_001173990.3(TMEM216):c.67del (p.Leu23fs)

Gene: TMEM216 (transmembrane protein 216; plus strand). Cytogenetic location: 11q12.2.
Variant type: Deletion.
Coding change: c.67del on transcript NM_001173990.3 (MANE Select); coding-DNA position 67, one base deleted (C; older notation c.67delC).
Protein change: p.Leu23fs; shifts the reading frame from leucine 23.
Molecular consequence: frameshift variant. On other transcripts: 5 prime UTR variant (2).
Genome position (GRCh38, 1-based): chr11:61,393,263, C deleted; the last of 2 consecutive C bases (chr11:61,393,262-61,393,263); deleting either gives the same sequence. VCF-style (leftmost placement, unchanged base first): chr11-61393261-TC-T. GRCh37 (hg19) VCF-style: chr11-61160733-TC-T.
Other names: c.67delC (NM_001173990.2); c.67del, p.Leu23fs (NM_001173991.3); c.-117del (NM_001330285.2, NM_016499.6); short protein forms L23fs.
Identifiers: ClinVar variation 591162 (VCV000591162.11), dbSNP rs1565088283, ClinGen allele CA891862884.

ClinVar aggregate classification (germline): Pathogenic/Likely pathogenic. Review status: criteria provided, multiple submitters, no conflicts (2 of 4 stars). 6 submissions from 6 submitters: Pathogenic (1); Likely pathogenic (4). 1 of the submissions does not count toward it. Last evaluated 2025-02-25.

Conditions:
Joubert syndrome. Also called: Familial aplasia of the vermis; JOUBERT-BOLTSHAUSER SYNDROME. Identifiers: Orphanet 475, MedGen C5979921, MONDO:0018772.
Joubert syndrome 2 (JBTS2). Also called: CEREBELLOOCULORENAL SYNDROME 2. Identifiers: Orphanet 2318, MedGen C1842577, MONDO:0011963, OMIM 608091.
Meckel syndrome, type 2 (MKS2). Also called: MKS2-Related Meckel Syndrome; MECKEL-GRUBER SYNDROME, TYPE 2. Identifiers: Orphanet 564, MedGen C1864148, MONDO:0011296, OMIM 603194.
TMEM216-related disorder. Also called: TMEM216-related disorders; TMEM216-related condition.

Submissions (6):

Natera, Inc.
Classification: Likely pathogenic for Joubert syndrome type 2. Last evaluated: 2025-02-25. Review status: criteria provided, single submitter. Criteria: Natera Variant Classification Schema (03/2026). Collection method: clinical testing. Allele origin: germline.
Comment: The c.67delC variant in TMEM216 is a frameshift variant predicted to shift the reading frame beginning at codon 23 and leads to a stop codon 4 codons downstream. This variant is expected to result in nonsense mediated decay, truncation, or a dysfunctional protein product. This variant is rare in the general population with a frequency below the threshold expected for the associated phenotype(s). Given the available evidence, this variant is classified as Likely Pathogenic.

Labcorp Genetics (formerly Invitae), Labcorp
Classification: Pathogenic for Joubert syndrome. Last evaluated: 2023-10-03. Review status: criteria provided, single submitter. Criteria: Invitae Variant Classification Sherloc (09022015). Collection method: clinical testing. Allele origin: germline.
Comment: This sequence change creates a premature translational stop signal (p.Leu23Cysfs*4) in the TMEM216 gene. It is expected to result in an absent or disrupted protein product. Loss-of-function variants in TMEM216 are known to be pathogenic (PMID: 20512146). This variant is not present in population databases (gnomAD no frequency). This variant has not been reported in the literature in individuals affected with TMEM216-related conditions. ClinVar contains an entry for this variant (Variation ID: 591162). For these reasons, this variant has been classified as Pathogenic.

Baylor Genetics
Classification: Likely pathogenic for Joubert syndrome 2. Last evaluated: 2023-06-22. Review status: criteria provided, single submitter. Criteria: ACMG Guidelines, 2015. Collection method: clinical testing. Allele origin: unknown.

Blueprint Genetics
Classification: Likely pathogenic for TMEM216-related disorders. Last evaluated: 2019-03-20. Review status: criteria provided, single submitter. Criteria: ACMG Guidelines, 2015. Collection method: clinical testing. Allele origin: germline. Affected: yes. Observed: 1 variant allele.

Juno Genomics, Hangzhou Juno Genomics, Inc
Classification: Likely pathogenic for Joubert syndrome 2; Meckel syndrome, type 2. Review status: criteria provided, single submitter. Criteria: ACMG Guidelines, 2015. Collection method: clinical testing. Allele origin: germline. Affected: yes.
Comment: Null variant in a gene where loss of function (LOF) is a known mechanism of disease.;Absent from controls (or at extremely low frequency if recessive) in Genome Aggregation Database, Exome Sequencing Project, 1000 Genomes Project, or Exome Aggregation Consortium.

Gharavi Laboratory, Columbia University
Classification: Uncertain significance. Last evaluated: 2018-09-16. Review status: no assertion criteria provided. Criteria: ACMG Guidelines, 2015. Collection method: research. Allele origin: germline. Affected: yes. Not counted in ClinVar's aggregate classification.

Literature cited by the submitters: PubMed 20512146 (cited by Labcorp Genetics (formerly Invitae), Labcorp).